The following is an entry in ClinVar:

NM_001122955.4(BSCL2):c.711A>C (p.Ala237=)

Genes: BSCL2 (BSCL2 lipid droplet biogenesis associated, seipin; minus strand), HNRNPUL2-BSCL2 (HNRNPUL2-BSCL2 readthrough (NMD candidate); minus strand). Cytogenetic location: 11q12.3.
Variant type: single nucleotide variant.
Coding change: c.711A>C on transcript NM_001122955.4 (MANE Select); coding-DNA position 711, A replaced by C.
Protein change: p.Ala237=; no amino-acid change (alanine 237 retained).
Molecular consequence: synonymous variant. On other transcripts: non-coding transcript variant (1).
Genome position (GRCh38, 1-based): chr11:62,692,717, T>G on the plus strand (A>C on the coding strand, the complement: BSCL2 is on the minus strand). VCF-style: chr11-62692717-T-G. GRCh37 (hg19) VCF-style: chr11-62460189-T-G.
Other names: c.519A>C, p.Ala173= (NM_001130702.2, NM_032667.6); c.711A>C, p.Ala237= (NM_001386027.1, NM_001386028.1).
Identifiers: ClinVar variation 2706982 (VCV002706982.3), dbSNP rs2539150330, ClinGen allele CA474866255.
Genomic context (GRCh38, chr11:62,692,717, plus strand): 5'-ACTCACCGAGTTCTCTCTATAGTCTGCGTAGAGTTCCACCTCCAGCAGCTGCTTCTGCTC[T>G]GCAAAGCCAAATAGCAGGAGGCTAGAGAAGACCAGTGTGTCCAGCATCTGGAGCAGGTCT-3'
Protein context (NP_001116427.1, residues 227-247): VFSSLLLFGF[Ala237=]EQKQLLEVEL

ClinVar aggregate classification (germline): Uncertain significance (1 of 4 stars; one submission).

Conditions:
Charcot-Marie-Tooth disease type 2. Also called: Charcot-Marie-Tooth type 2. Identifiers: Orphanet 64746, MedGen C0270914, MONDO:0018993.

Allele frequency attached by ClinVar (database versions not stated): gnomAD exomes below 0.00001.
gnomAD v4.1: 2 of 1,614,164 alleles (0.00012%); highest among the groups gnomAD compares: Non-Finnish European, 0.00017%; no homozygotes.

Submission:

Labcorp Genetics (formerly Invitae), Labcorp
Classification: Uncertain significance for Charcot-Marie-Tooth disease type 2. Last evaluated: 2023-07-19. Review status: criteria provided, single submitter. Criteria: Invitae Variant Classification Sherloc (09022015). Collection method: clinical testing. Allele origin: germline.
Comment: In summary, the available evidence is currently insufficient to determine the role of this variant in disease. Therefore, it has been classified as a Variant of Uncertain Significance. Algorithms developed to predict the effect of sequence changes on RNA splicing suggest that this variant may disrupt the consensus splice site. This variant has not been reported in the literature in individuals affected with BSCL2-related conditions. This variant is not present in population databases (gnomAD no frequency). This sequence change affects codon 173 of the BSCL2 mRNA. It is a 'silent' change, meaning that it does not change the encoded amino acid sequence of the BSCL2 protein.